The following is an entry in ClinVar:

NM_005633.4(SOS1):c.1444G>C (p.Gly482Arg)

Gene: SOS1 (SOS Ras/Rac guanine nucleotide exchange factor 1; minus strand). Cytogenetic location: 2p22.1.
Variant type: single nucleotide variant.
Coding change: c.1444G>C on transcript NM_005633.4 (MANE Select); coding-DNA position 1444, G replaced by C.
Protein change: p.Gly482Arg; replaces glycine 482 with arginine.
Molecular consequence: missense variant.
Genome position (GRCh38, 1-based): chr2:39,022,984, C>G on the plus strand (G>C on the coding strand, the complement: SOS1 is on the minus strand). VCF-style: chr2-39022984-C-G. GRCh37 (hg19) VCF-style: chr2-39250125-C-G.
Other names: c.1423G>C, p.Gly475Arg (NM_001382394.1); c.1444G>C, p.Gly482Arg (NM_001382395.1); short protein forms G475R, G482R.
Identifiers: ClinVar variation 2672811 (VCV002672811.23), dbSNP rs1431574387, ClinGen allele CA346366159.

ClinVar aggregate classification (germline): Uncertain significance (1 of 4 stars; one submission).

Allele frequency attached by ClinVar (database versions not stated): TOPMed below 0.00001; gnomAD 0.00001.

Submission:

CeGaT Center for Human Genetics Tuebingen
Classification: Uncertain significance. Last evaluated: 2023-11-01. Review status: criteria provided, single submitter. Criteria: CeGaT Center For Human Genetics Tuebingen Variant Classification Criteria Version 2. Collection method: clinical testing. Allele origin: germline. Affected: yes. Observed: 1 variant allele.
Comment: SOS1: PM2, PP3, PS2:Supporting, PS4:Supporting